The following is an entry in ClinVar:

NM_000135.4(FANCA):c.1247C>A (p.Ala416Asp)

Gene: FANCA (FA complementation group A; minus strand). Cytogenetic location: 16q24.3.
Variant type: single nucleotide variant.
Coding change: c.1247C>A on transcript NM_000135.4 (MANE Select); coding-DNA position 1247, C replaced by A.
Protein change: p.Ala416Asp; replaces alanine 416 with aspartic acid.
Molecular consequence: missense variant.
Genome position (GRCh38, 1-based): chr16:89,791,515, G>T on the plus strand (C>A on the coding strand, the complement: FANCA is on the minus strand). VCF-style: chr16-89791515-G-T. GRCh37 (hg19) VCF-style: chr16-89857923-G-T.
Other names: c.1247C>A, p.Ala416Asp (NM_001286167.3); short protein forms A416D.
Identifiers: ClinVar variation 1487084 (VCV001487084.6), dbSNP rs750689577, ClinGen allele CA8252429.

ClinVar aggregate classification (germline): Uncertain significance. Review status: criteria provided, multiple submitters, no conflicts (2 of 4 stars). 2 submissions from 2 submitters: Uncertain significance (2). Last evaluated 2024-04-22.

Conditions:
Fanconi anemia (FA). Also called: Fanconi's anemia. Identifiers: Orphanet 84, MedGen C0015625, MeSH D005199, MONDO:0019391.
Fanconi anemia complementation group A (FANCA). Also called: Fanconi anemia, group A; FANCA-Related Fanconi Anemia. Identifiers: Orphanet 84, MedGen C3469521, MONDO:0009215, OMIM 227650.

Allele frequency attached by ClinVar (database versions not stated): gnomAD 0.00001; gnomAD exomes 0.00001; TOPMed 0.00001; ExAC 0.00002.
gnomAD v4.1: 4 of 1,613,990 alleles (0.00025%); highest among the groups gnomAD compares: Non-Finnish European, 0.00034%; no homozygotes.

Submissions (2):

Fulgent Genetics
Classification: Uncertain significance for Fanconi anemia complementation group A. Last evaluated: 2024-04-22. Review status: criteria provided, single submitter. Criteria: ACMG Guidelines, 2015. Collection method: clinical testing. Allele origin: germline.

Labcorp Genetics (formerly Invitae), Labcorp
Classification: Uncertain significance for Fanconi anemia. Last evaluated: 2021-09-01. Review status: criteria provided, single submitter. Criteria: Invitae Variant Classification Sherloc (09022015). Collection method: clinical testing. Allele origin: germline.
Comment: This sequence change replaces alanine with aspartic acid at codon 416 of the FANCA protein (p.Ala416Asp). The alanine residue is weakly conserved and there is a moderate physicochemical difference between alanine and aspartic acid. This variant is present in population databases (rs750689577, ExAC 0.003%). This variant has not been reported in the literature in individuals affected with FANCA-related conditions. Algorithms developed to predict the effect of missense changes on protein structure and function are either unavailable or do not agree on the potential impact of this missense change (SIFT: "Tolerated"; PolyPhen-2: "Possibly Damaging"; Align-GVGD: "Class C0"). In summary, the available evidence is currently insufficient to determine the role of this variant in disease. Therefore, it has been classified as a Variant of Uncertain Significance.